The following is an entry in ClinVar:

NM_004260.4(RECQL4):c.1616A>C (p.Asp539Ala)

Gene: RECQL4 (RecQ like helicase 4; minus strand). Cytogenetic location: 8q24.3.
Variant type: single nucleotide variant.
Coding change: c.1616A>C on transcript NM_004260.4 (MANE Select); coding-DNA position 1616, A replaced by C.
Protein change: p.Asp539Ala; replaces aspartic acid 539 with alanine.
Molecular consequence: missense variant. On other transcripts: non-coding transcript variant (3).
Genome position (GRCh38, 1-based): chr8:144,514,940, T>G on the plus strand (A>C on the coding strand, the complement: RECQL4 is on the minus strand). VCF-style: chr8-144514940-T-G. GRCh37 (hg19) VCF-style: chr8-145740324-T-G.
Other names: c.1520A>C, p.Asp507Ala (NM_001413017.1, NM_001413020.1); c.1616A>C, p.Asp539Ala (NM_001413018.1, NM_001413019.1, NM_001413033.1 and 1 more transcripts); c.545A>C, p.Asp182Ala (NM_001413021.1, NM_001413022.1, NM_001413023.1 and 7 more transcripts); c.1487A>C, p.Asp496Ala (NM_001413025.1); c.479A>C, p.Asp160Ala (NM_001413027.1, NM_001413030.1, NM_001413031.1 and 2 more transcripts); c.1265A>C, p.Asp422Ala (NM_001413029.1); c.1586A>C, p.Asp529Ala (NM_001413039.1); c.515A>C, p.Asp172Ala (NM_001413042.1); and 1 more; short protein forms D160A, D422A, D496A, D529A, D539A, D507A, D172A, D182A.
Identifiers: ClinVar variation 4628964 (VCV004628964.1).

ClinVar aggregate classification (germline): Uncertain significance (1 of 4 stars; one submission).

Conditions:
Inborn genetic diseases. Identifiers: MedGen C0950123, MeSH D030342.

Submission:

Ambry Genetics
Classification: Uncertain significance for Inborn genetic diseases. Last evaluated: 2025-11-04. Review status: criteria provided, single submitter. Criteria: Ambry Variant Classification Scheme 2023. Collection method: clinical testing. Allele origin: germline.
Comment: The p.D539A variant (also known as c.1616A>C), located in coding exon 9 of the RECQL4 gene, results from an A to C substitution at nucleotide position 1616. The aspartic acid at codon 539 is replaced by alanine, an amino acid with dissimilar properties. This amino acid position is conserved. In addition, this alteration is predicted to be deleterious by in silico analysis. Based on the available evidence, the clinical significance of this variant remains unclear.